The following is an entry in ClinVar:

NM_015559.3(SETBP1):c.3947C>G (p.Ala1316Gly)

Gene: SETBP1 (SET binding protein 1; plus strand). Cytogenetic location: 18q12.3.
Variant type: single nucleotide variant.
Coding change: c.3947C>G on transcript NM_015559.3 (MANE Select); coding-DNA position 3947, C replaced by G.
Protein change: p.Ala1316Gly; replaces alanine 1316 with glycine.
Molecular consequence: missense variant.
Genome position (GRCh38, 1-based): chr18:44,953,287, C>G. VCF-style: chr18-44953287-C-G. GRCh37 (hg19) VCF-style: chr18-42533252-C-G.
Other names: c.3947C>G, p.Ala1316Gly (NM_001379141.1, NM_001379142.1, NM_001410862.1); short protein forms A1316G.
Identifiers: ClinVar variation 3907809 (VCV003907809.9).

ClinVar aggregate classification (germline): Uncertain significance. Review status: criteria provided, multiple submitters, no conflicts (2 of 4 stars). 2 submissions from 2 submitters: Uncertain significance (2). Last evaluated 2025-07-01.

Submissions (2):

CeGaT Center for Human Genetics Tuebingen
Classification: Uncertain significance. Last evaluated: 2025-07-01. Review status: criteria provided, single submitter. Criteria: CeGaT Center For Human Genetics Tuebingen Variant Classification Criteria Version 2. Collection method: clinical testing. Allele origin: germline. Affected: yes. Observed: 1 variant allele.
Comment: SETBP1: PM2, BP4

GeneDx
Classification: Uncertain significance. Last evaluated: 2024-12-31. Review status: criteria provided, single submitter. Criteria: GeneDx Variant Classification Process June 2021. Collection method: clinical testing. Allele origin: germline. Affected: yes.
Comment: Not observed at significant frequency in large population cohorts (gnomAD); In silico analysis indicates that this missense variant does not alter protein structure/function; Has not been previously published as pathogenic or benign to our knowledge